The following is an entry in ClinVar:

ClinVar aggregate classification (germline): Likely benign. Review status: criteria provided, multiple submitters, no conflicts (2 of 4 stars). 6 submissions from 6 submitters: Likely benign (6). Last evaluated 2026-02-01.

Conditions:
Cardiovascular phenotype. Identifiers: MedGen CN230736.
Cardiomyopathy (CMYO). Also called: Cardiomyopathies. Identifiers: Orphanet 167848, MedGen C0878544, MONDO:0004994, HP:0001638. Inheritance: Various modes of inheritance.
Lethal congenital glycogen storage disease of heart. Also called: GLYCOGEN STORAGE DISEASE OF HEART; PHOSPHORYLASE KINASE DEFICIENCY OF HEART. Identifiers: Orphanet 439854, MedGen C1849813, MONDO:0009867, OMIM 261740.
Hypertrophic cardiomyopathy. Also called: HYPERTROPHIC MYOCARDIOPATHY. Identifiers: Orphanet 217569, MedGen C0007194, MeSH D002312, MONDO:0005045, HP:0001639.

Allele frequency attached by ClinVar (database versions not stated): ExAC 0.00002; gnomAD exomes 0.00002; TOPMed 0.00004; gnomAD 0.00006 and 0.00007.
gnomAD v4.1: 17 of 1,613,958 alleles (0.0011%); highest among the groups gnomAD compares: African/African-American, 0.021%; no homozygotes.

Submissions (6):

Labcorp Genetics (formerly Invitae), Labcorp
Classification: Likely benign for Lethal congenital glycogen storage disease of heart. Last evaluated: 2026-02-01. Review status: criteria provided, single submitter. Criteria: Invitae Variant Classification Sherloc (09022015). Collection method: clinical testing. Allele origin: germline.

Mayo Clinic Laboratories, Mayo Clinic
Classification: Likely benign. Last evaluated: 2025-10-06. Review status: criteria provided, single submitter. Criteria: ACMG Guidelines, 2015. Collection method: clinical testing. Allele origin: germline. Observed: 1 variant allele.
Comment: BP4, BP7, PM2_supporting

Blueprint Genetics
Classification: Likely benign. Last evaluated: 2024-09-17. Review status: criteria provided, single submitter. Criteria: ACMG Guidelines, 2015. Collection method: clinical testing. Allele origin: germline.

All of Us Research Program, National Institutes of Health
Classification: Likely benign for Hypertrophic cardiomyopathy. Last evaluated: 2023-03-23. Review status: criteria provided, single submitter. Criteria: ACMG Guidelines, 2015. Collection method: clinical testing. Allele origin: germline. Inheritance: Autosomal dominant inheritance. Observed: 1 variant allele, 1 heterozygote.
Comment: This study involves interpretation of variants in research participants for the purpose of population health screening. Participant phenotype was not available at the time of variant classification. Additional details can be found in publication PMID: 35346344, PMCID: PMC8962531

Color Diagnostics, LLC DBA Color Health
Classification: Likely benign for Cardiomyopathy. Last evaluated: 2022-11-06. Review status: criteria provided, single submitter. Criteria: ACMG Guidelines, 2015. Collection method: clinical testing. Allele origin: germline.

Ambry Genetics
Classification: Likely benign for Cardiovascular phenotype. Last evaluated: 2020-10-06. Review status: criteria provided, single submitter. Criteria: Ambry Variant Classification Scheme 2023. Collection method: clinical testing. Allele origin: germline.

NM_016203.4(PRKAG2):c.1641G>T (p.Leu547=)

Gene: PRKAG2 (protein kinase AMP-activated non-catalytic subunit gamma 2; minus strand). Cytogenetic location: 7q36.1.
Variant type: single nucleotide variant.
Coding change: c.1641G>T on transcript NM_016203.4 (MANE Select); coding-DNA position 1641, G replaced by T.
Protein change: p.Leu547=; no amino-acid change (leucine 547 retained).
Molecular consequence: synonymous variant.
Genome position (GRCh38, 1-based): chr7:151,560,561, C>A on the plus strand (G>T on the coding strand, the complement: PRKAG2 is on the minus strand). VCF-style: chr7-151560561-C-A. GRCh37 (hg19) VCF-style: chr7-151257647-C-A.
Other names: p.Leu547=; c.1509G>T, p.Leu503= (NM_001040633.2); c.1266G>T, p.Leu422= (NM_001304527.2); c.918G>T, p.Leu306= (NM_001304531.2, NM_024429.2); c.1269G>T, p.Leu423= (NM_001363698.2).
Identifiers: ClinVar variation 1087448 (VCV001087448.15), dbSNP rs764198777, ClinGen allele CA055685.